The following is an entry in ClinVar:

NM_016169.4(SUFU):c.694C>T (p.Pro232Ser)

Gene: SUFU (SUFU negative regulator of hedgehog signaling; plus strand). Cytogenetic location: 10q24.32.
Variant type: single nucleotide variant.
Coding change: c.694C>T on transcript NM_016169.4 (MANE Select); coding-DNA position 694, C replaced by T.
Protein change: p.Pro232Ser; replaces proline 232 with serine.
Molecular consequence: missense variant.
Genome position (GRCh38, 1-based): chr10:102,594,003, C>T. VCF-style: chr10-102594003-C-T. GRCh37 (hg19) VCF-style: chr10-104353760-C-T.
Other names: c.694C>T, p.Pro232Ser (NM_001178133.2); short protein forms P232S.
Identifiers: ClinVar variation 406389 (VCV000406389.18), dbSNP rs1060501110, ClinGen allele CA16612710.

ClinVar aggregate classification (germline): Uncertain significance. Review status: criteria provided, multiple submitters, no conflicts (2 of 4 stars). 3 submissions from 3 submitters: Uncertain significance (3). Last evaluated 2025-04-12.

Conditions:
Hereditary cancer-predisposing syndrome. Also called: Tumor predisposition; Neoplastic Syndromes, Hereditary; Hereditary Cancer Syndrome; Hereditary neoplastic syndrome. Identifiers: Orphanet 140162, MedGen C0027672, MeSH D009386, MONDO:0015356.
Medulloblastoma (MDB). Also called: Medulloblastoma, somatic; MEDULLOBLASTOMA PREDISPOSITION SYNDROME. Identifiers: Orphanet 616, MedGen C0025149, MeSH D008527, MONDO:0007959, OMIM 155255, HP:0002885.
Gorlin syndrome. Also called: Nevoid Basal Cell Carcinoma Syndrome; Basal cell nevus syndrome. Identifiers: Orphanet 377, MedGen C0004779, MONDO:0007187.

Allele frequency attached by ClinVar (database versions not stated): gnomAD exomes below 0.00001.

Submissions (3):

Ambry Genetics
Classification: Uncertain significance for Hereditary cancer-predisposing syndrome. Last evaluated: 2025-04-12. Review status: criteria provided, single submitter. Criteria: Ambry Variant Classification Scheme 2023. Collection method: clinical testing. Allele origin: germline.
Comment: The p.P232S variant (also known as c.694C>T), located in coding exon 6 of the SUFU gene, results from a C to T substitution at nucleotide position 694. The proline at codon 232 is replaced by serine, an amino acid with similar properties. This amino acid position is conserved. In addition, the in silico prediction for this alteration is inconclusive. Since supporting evidence is limited at this time, the clinical significance of this alteration remains unclear.

Labcorp Genetics (formerly Invitae), Labcorp
Classification: Uncertain significance for Gorlin syndrome; Medulloblastoma. Last evaluated: 2025-01-06. Review status: criteria provided, single submitter. Criteria: Invitae Variant Classification Sherloc (09022015). Collection method: clinical testing. Allele origin: germline.
Comment: This sequence change replaces proline, which is neutral and non-polar, with serine, which is neutral and polar, at codon 232 of the SUFU protein (p.Pro232Ser). This variant is not present in population databases (gnomAD no frequency). This variant has not been reported in the literature in individuals affected with SUFU-related conditions. ClinVar contains an entry for this variant (Variation ID: 406389). Invitae Evidence Modeling of protein sequence and biophysical properties (such as structural, functional, and spatial information, amino acid conservation, physicochemical variation, residue mobility, and thermodynamic stability) indicates that this missense variant is not expected to disrupt SUFU protein function with a negative predictive value of 80%. In summary, the available evidence is currently insufficient to determine the role of this variant in disease. Therefore, it has been classified as a Variant of Uncertain Significance.

ARUP Laboratories, Molecular Genetics and Genomics, ARUP Laboratories
Classification: Uncertain significance. Last evaluated: 2018-05-13. Review status: criteria provided, single submitter. Criteria: ARUP Molecular Germline Variant Investigation Process. Collection method: clinical testing. Allele origin: germline.
Comment: The SUFU c.694C>T; p.Pro232Ser variant, to our knowledge, is not reported in the medical literature but is reported in ClinVar (Variation ID: 406389). This variant is absent from the general population databases (1000 Genomes Project, Exome Variant Server, and Genome Aggregation Database), indicating it is not a common polymorphism. The proline at codon 232 is highly conserved, but computational analyses (SIFT, PolyPhen-2) predict that this variant is tolerated. However, given the lack of clinical and functional data, the significance of the p.Pro232Ser variant is uncertain at this time.